The following is an entry in ClinVar:

ClinVar aggregate classification (germline): Uncertain significance (1 of 4 stars; one submission).

Conditions:
Singleton-Merten syndrome 1 (SGMRT1). Also called: Widened medullary cavities of bone, aortic calcification, abnormal dentition, and muscular weakness; Syndrome of widened medullary cavities of the metacarpals and phalanges, aortic calcification and abnormal dentition. Identifiers: Orphanet 85191, MedGen C4225427, MONDO:0024535, OMIM 182250.
Aicardi-Goutieres syndrome 7 (AGS7). Identifiers: Orphanet 51, MedGen C3888244, MONDO:0014367, OMIM 615846.

gnomAD v4.1: 2 of 1,612,844 alleles (0.00012%); highest among the groups gnomAD compares: East Asian, 0.0022%; no homozygotes.

Submission:

Labcorp Genetics (formerly Invitae), Labcorp
Classification: Uncertain significance for Aicardi-Goutieres syndrome 7; Singleton-Merten syndrome 1. Last evaluated: 2021-12-03. Review status: criteria provided, single submitter. Criteria: Invitae Variant Classification Sherloc (09022015). Collection method: clinical testing. Allele origin: germline.
Comment: This variant is not present in population databases (gnomAD no frequency). In summary, the available evidence is currently insufficient to determine the role of this variant in disease. Therefore, it has been classified as a Variant of Uncertain Significance. Algorithms developed to predict the effect of missense changes on protein structure and function are either unavailable or do not agree on the potential impact of this missense change (SIFT: "Deleterious"; PolyPhen-2: "Possibly Damaging"; Align-GVGD: "Class C0"). This variant has not been reported in the literature in individuals affected with IFIH1-related conditions. This sequence change replaces isoleucine, which is neutral and non-polar, with phenylalanine, which is neutral and non-polar, at codon 325 of the IFIH1 protein (p.Ile325Phe).

NM_022168.4(IFIH1):c.973A>T (p.Ile325Phe)

Gene: IFIH1 (interferon induced with helicase C domain 1; minus strand). Cytogenetic location: 2q24.2.
Variant type: single nucleotide variant.
Coding change: c.973A>T on transcript NM_022168.4 (MANE Select); coding-DNA position 973, A replaced by T.
Protein change: p.Ile325Phe; replaces isoleucine 325 with phenylalanine.
Molecular consequence: missense variant.
Genome position (GRCh38, 1-based): chr2:162,288,257, T>A on the plus strand (A>T on the coding strand, the complement: IFIH1 is on the minus strand). VCF-style: chr2-162288257-T-A. GRCh37 (hg19) VCF-style: chr2-163144767-T-A.
Other names: short protein forms I325F.
Identifiers: ClinVar variation 1492293 (VCV001492293.6), dbSNP rs1474944804, ClinGen allele CA349004786.